The following is an entry in ClinVar:

NM_007194.4(CHEK2):c.1377del (p.Leu460fs)

Gene: CHEK2 (checkpoint kinase 2; minus strand). Cytogenetic location: 22q12.1.
Variant type: Deletion.
Coding change: c.1377del on transcript NM_007194.4 (MANE Select); coding-DNA position 1377, one base deleted (T; older notation c.1377delT).
Protein change: p.Leu460fs; shifts the reading frame from leucine 460.
Molecular consequence: frameshift variant.
Genome position (GRCh38, 1-based): chr22:28,694,116, A deleted on the plus strand (T on the coding strand, the reverse complement: CHEK2 is on the minus strand). VCF-style (leftmost placement, unchanged base first): chr22-28694115-GA-G. GRCh37 (hg19) VCF-style: chr22-29090103-GA-G.
Other names: c.1506delT, p.Leu503Trpfs (NM_001005735.3); c.714delT, p.Leu239Trpfs (NM_001257387.3); c.1176delT, p.Leu393Trpfs (NM_001349956.3); c.1290delT, p.Leu431Trpfs (NM_145862.3); short protein forms L239fs, L393fs, L460fs, L431fs, L503fs.
Identifiers: ClinVar variation 3266947 (VCV003266947.1).
Genomic context (GRCh38, chr22:28,694,115, plus strand): 5'-CTTCTTCTGTCGTAAAACGTGCCTTTGGATCCACTACCAACAACTTCTTGACAAGGTCCA[GA>G]GCTAAAGCAACAATTGGGCAAATCACAGTGAAAAGGATAAATATATTATCAGTAAGAGTA-3'

ClinVar aggregate classification (germline): Pathogenic (1 of 4 stars; one submission).

Conditions:
Hereditary cancer-predisposing syndrome. Also called: Hereditary Cancer Syndrome; Tumor predisposition; Hereditary neoplastic syndrome; Neoplastic Syndromes, Hereditary. Identifiers: Orphanet 140162, MedGen C0027672, MeSH D009386, MONDO:0015356.

Submission:

Ambry Genetics
Classification: Pathogenic for Hereditary cancer-predisposing syndrome. Last evaluated: 2024-03-22. Review status: criteria provided, single submitter. Criteria: Ambry Variant Classification Scheme 2023. Collection method: clinical testing. Allele origin: germline.
Comment: The c.1377delT pathogenic mutation, located in coding exon 12 of the CHEK2 gene, results from a deletion of one nucleotide at nucleotide position 1377, causing a translational frameshift with a predicted alternate stop codon (p.L460Wfs*9). This variant is considered to be rare based on population cohorts in the Genome Aggregation Database (gnomAD). This alteration is expected to result in loss of function by premature protein truncation or nonsense-mediated mRNA decay. As such, this alteration is interpreted as a disease-causing mutation.